The following is an entry in ClinVar:

ClinVar aggregate classification (germline): Uncertain significance (1 of 4 stars; one submission).

Submission:

Dasa
Classification: Uncertain significance. Last evaluated: 2025-10-24. Review status: criteria provided, single submitter. Criteria: DASA Assertion Criteria. Collection method: clinical testing. Allele origin: germline.
Comment: NM_013275.6(ANKRD11):c.1656A>C (p.Lys552Asn) is a missense variant that results in the substitution of lysine with asparagine. This variant is absent from population databases. The currently available literature and clinical evidence are not sufficient to establish a definitive association between this variant and the reported condition. Therefore, this variant is classified as a variant of uncertain significance.

NM_013275.6(ANKRD11):c.1656A>C (p.Lys552Asn)

Gene: ANKRD11 (ankyrin repeat domain 11; minus strand). Cytogenetic location: 16q24.3.
Variant type: single nucleotide variant.
Coding change: c.1656A>C on transcript NM_013275.6 (MANE Select); coding-DNA position 1656, A replaced by C.
Protein change: p.Lys552Asn; replaces lysine 552 with asparagine.
Molecular consequence: missense variant.
Genome position (GRCh38, 1-based): chr16:89,284,886, T>G on the plus strand (A>C on the coding strand, the complement: ANKRD11 is on the minus strand). VCF-style: chr16-89284886-T-G. GRCh37 (hg19) VCF-style: chr16-89351294-T-G.
Other names: c.1656A>C, p.Lys552Asn (NM_001256182.2, NM_001256183.2); short protein forms K552N.
Identifiers: ClinVar variation 5020822 (VCV005020822.1).